The following is an entry in ClinVar:

NM_000400.4(ERCC2):c.1090C>G (p.Arg364Gly)

Gene: ERCC2 (ERCC excision repair 2, TFIIH core complex helicase subunit; minus strand). Cytogenetic location: 19q13.32.
Variant type: single nucleotide variant.
Coding change: c.1090C>G on transcript NM_000400.4 (MANE Select); coding-DNA position 1090, C replaced by G.
Protein change: p.Arg364Gly; replaces arginine 364 with glycine.
Molecular consequence: missense variant.
Genome position (GRCh38, 1-based): chr19:45,363,771, G>C on the plus strand (C>G on the coding strand, the complement: ERCC2 is on the minus strand). VCF-style: chr19-45363771-G-C. GRCh37 (hg19) VCF-style: chr19-45867029-G-C.
Other names: c.1018C>G, p.Arg340Gly (NM_001130867.2); short protein forms R340G, R364G.
Identifiers: ClinVar variation 1789175 (VCV001789175.2), dbSNP rs367741538, ClinGen allele CA406372160.

ClinVar aggregate classification (germline): Uncertain significance (1 of 4 stars; one submission).

Conditions:
Inborn genetic diseases. Identifiers: MedGen C0950123, MeSH D030342.

Submission:

Ambry Genetics
Classification: Uncertain significance for Inborn genetic diseases. Last evaluated: 2024-01-03. Review status: criteria provided, single submitter. Criteria: Ambry Variant Classification Scheme 2023. Collection method: clinical testing. Allele origin: germline.
Comment: The p.R364G variant (also known as c.1090C>G), located in coding exon 11 of the ERCC2 gene, results from a C to G substitution at nucleotide position 1090. The arginine at codon 364 is replaced by glycine, an amino acid with dissimilar properties. This amino acid position is conserved. In addition, the in silico prediction for this alteration is inconclusive. Since supporting evidence is limited at this time, the clinical significance of this alteration remains unclear.